The following is an entry in ClinVar:

ClinVar aggregate classification (germline): Conflicting classifications of pathogenicity. Review status: criteria provided, conflicting classifications (1 of 4 stars). 2 submissions from 2 submitters: Likely pathogenic (1); Uncertain significance (1). Last evaluated 2026-08-18.

Conditions:
Medium-chain acyl-coenzyme A dehydrogenase deficiency (ACADMD). Also called: MCAD Deficiency; ACADM DEFICIENCY; CARNITINE DEFICIENCY SECONDARY TO MEDIUM-CHAIN ACYL-CoA DEHYDROGENASE DEFICIENCY; MCADH DEFICIENCY; MCADD; Medium chain acyl-CoA dehydrogenase deficiency. Identifiers: Orphanet 42, MedGen C0220710, MONDO:0008721, OMIM 201450.

gnomAD v4.1: 6 of 1,613,926 alleles (0.00037%); highest among the groups gnomAD compares: Non-Finnish European, 0.00051%; no homozygotes.

Submissions (2):

Myriad Genetics, Inc.
Classification: Uncertain significance for Medium-chain acyl-coenzyme A dehydrogenase deficiency. Last evaluated: 2026-08-18. Review status: criteria provided, single submitter. Criteria: Myriad Autosomal Dominant, Autosomal Recessive and X-Linked Classification Criteria (2023). Collection method: clinical testing. Allele origin: unknown.
Comment: NM_000016.4(ACADM):c.254G>A(G85D) is a missense variant classified as a variant of uncertain significance in the context of medium-chain acyl-CoA dehydrogenase deficiency. G85D has not been observed in cases with relevant disease. Relevant functional assessments of this variant are not available in the literature. G85D has not been observed in referenced population frequency databases. In summary, there is insufficient evidence to classify NM_000016.4(ACADM):c.254G>A(G85D) as pathogenic or benign. Please note: this variant was assessed in the context of healthy population screening.

GeneDx
Classification: Likely pathogenic. Last evaluated: 2025-09-03. Review status: criteria provided, single submitter. Criteria: GeneDx Variant Classification Process June 2021. Collection method: clinical testing. Allele origin: germline. Affected: yes.
Comment: Has not been previously published as pathogenic or benign to our knowledge; Not observed at significant frequency in large population cohorts (gnomAD); In silico analysis supports that this missense variant has a deleterious effect on protein structure/function; This variant is associated with the following publications: (PMID: 20434380, 16291504)

NM_000016.6(ACADM):c.254G>A (p.Gly85Asp)

Gene: ACADM (acyl-CoA dehydrogenase medium chain; plus strand). Cytogenetic location: 1p31.1.
Variant type: single nucleotide variant.
Coding change: c.254G>A on transcript NM_000016.6 (MANE Select); coding-DNA position 254, G replaced by A.
Protein change: p.Gly85Asp; replaces glycine 85 with aspartic acid.
Molecular consequence: missense variant. On other transcripts: 5 prime UTR variant (1).
Genome position (GRCh38, 1-based): chr1:75,732,890, G>A. VCF-style: chr1-75732890-G-A. GRCh37 (hg19) VCF-style: chr1-76198575-G-A.
Other names: c.146G>A, p.Gly49Asp (NM_001286042.2); c.254G>A, p.Gly85Asp (NM_001286043.2); c.-132G>A (NM_001286044.2); c.266G>A, p.Gly89Asp (NM_001127328.3); short protein forms G49D, G85D, G89D.
Identifiers: ClinVar variation 3383455 (VCV003383455.4).
Genomic context (GRCh38, chr1:75,732,890, plus strand): 5'-TAACTCAGTTCTTTTTCTTCTAGTATCCAGTCCCCCTAATTAGAAGAGCCTGGGAACTTG[G>A]TTTAATGAACACACACATTCCAGAGAACTGTGGTAAGCTTTCTTTATATTTTTAATACTG-3'
Protein context (NP_000007.1, residues 75-95): VPLIRRAWEL[Gly85Asp]LMNTHIPENC